The following is an entry in ClinVar:

NM_003107.3(SOX4):c.816C>A (p.Ser272=)

Genes: SOX4 (SRY-box transcription factor 4; plus strand), LOC129995965 (ATAC-STARR-seq lymphoblastoid silent region 16985; plus strand). Cytogenetic location: 6p22.3.
Variant type: single nucleotide variant.
Coding change: c.816C>A on transcript NM_003107.3 (MANE Select); coding-DNA position 816, C replaced by A.
Protein change: p.Ser272=; no amino-acid change (serine 272 retained).
Molecular consequence: synonymous variant.
Genome position (GRCh38, 1-based): chr6:21,595,350, C>A. VCF-style: chr6-21595350-C-A. GRCh37 (hg19) VCF-style: chr6-21595581-C-A.
Identifiers: ClinVar variation 4281573 (VCV004281573.7).

ClinVar aggregate classification (germline): Likely benign (1 of 4 stars; one submission).

gnomAD v4.1: 39 of 1,516,328 alleles (0.0026%); highest among the groups gnomAD compares: Non-Finnish European, 0.0032%; no homozygotes.

Submission:

CeGaT Center for Human Genetics Tuebingen
Classification: Likely benign. Last evaluated: 2025-10-01. Review status: criteria provided, single submitter. Criteria: CeGaT Center For Human Genetics Tuebingen Variant Classification Criteria Version 2. Collection method: clinical testing. Allele origin: germline. Affected: yes. Observed: 1 variant allele.
Comment: SOX4: BP4, BP7